The following is an entry in ClinVar:

ClinVar aggregate classification (germline): Uncertain significance (1 of 4 stars; one submission).

Conditions:
Inborn genetic diseases. Identifiers: MedGen C0950123, MeSH D030342.

Submission:

Ambry Genetics
Classification: Uncertain significance for Inborn genetic diseases. Last evaluated: 2024-12-22. Review status: criteria provided, single submitter. Criteria: Ambry Variant Classification Scheme 2023. Collection method: clinical testing. Allele origin: germline.
Comment: The p.K662T variant (also known as c.1985A>C), located in coding exon 14 of the ERCC6L2 gene, results from an A to C substitution at nucleotide position 1985. The lysine at codon 662 is replaced by threonine, an amino acid with similar properties. This amino acid position is conserved. In addition, the in silico prediction for this alteration is inconclusive. Based on the available evidence, the clinical significance of this variant remains unclear.

NM_020207.7(ERCC6L2):c.1985A>C (p.Lys662Thr)

Gene: ERCC6L2 (ERCC excision repair 6 like 2; plus strand). Cytogenetic location: 9q22.32.
Variant type: single nucleotide variant.
Coding change: c.1985A>C on transcript NM_020207.7 (MANE Select); coding-DNA position 1985, A replaced by C.
Protein change: p.Lys662Thr; replaces lysine 662 with threonine.
Molecular consequence: missense variant. On other transcripts: non-coding transcript variant (1).
Genome position (GRCh38, 1-based): chr9:95,966,599, A>C. VCF-style: chr9-95966599-A-C. GRCh37 (hg19) VCF-style: chr9-98728881-A-C.
Other names: c.1985A>C, p.Lys662Thr (NM_001010895.4, NM_001375291.1, NM_001375292.1 and 2 more transcripts); short protein forms K662T.
Identifiers: ClinVar variation 3845819 (VCV003845819.1).